The following is an entry in ClinVar:

NM_014244.5(ADAMTS2):c.767G>A (p.Arg256Lys)

Gene: ADAMTS2 (ADAM metallopeptidase with thrombospondin type 1 motif 2; minus strand). Cytogenetic location: 5q35.3.
Variant type: single nucleotide variant.
Coding change: c.767G>A on transcript NM_014244.5 (MANE Select); coding-DNA position 767, G replaced by A.
Protein change: p.Arg256Lys; replaces arginine 256 with lysine.
Molecular consequence: missense variant.
Genome position (GRCh38, 1-based): chr5:179,207,637, C>T on the plus strand (G>A on the coding strand, the complement: ADAMTS2 is on the minus strand). VCF-style: chr5-179207637-C-T. GRCh37 (hg19) VCF-style: chr5-178634638-C-T.
Other names: c.767G>A, p.Arg256Lys (NM_021599.4); short protein forms R256K.
Identifiers: ClinVar variation 966422 (VCV000966422.8), dbSNP rs1764733855, ClinGen allele CA362428307.

ClinVar aggregate classification (germline): Uncertain significance. Review status: criteria provided, multiple submitters, no conflicts (2 of 4 stars). 2 submissions from 2 submitters: Uncertain significance (2). Last evaluated 2025-12-08.

Conditions:
Inborn genetic diseases. Identifiers: MedGen C0950123, MeSH D030342.
Ehlers-Danlos syndrome, dermatosparaxis type. Also called: Dermatosparaxis; EDS VIIC; Ehlers-Danlos syndrome, type VII, autosomal recessive. Identifiers: Orphanet 1901, MedGen C2700425, MONDO:0009161, OMIM 225410.

Allele frequency attached by ClinVar (database versions not stated): TOPMed 0.00001.
gnomAD v4.1: 1 of 1,613,782 alleles (0.000062%); highest among the groups gnomAD compares: Non-Finnish European, 0.000085%; no homozygotes.

Submissions (2):

Ambry Genetics
Classification: Uncertain significance for Inborn genetic diseases. Last evaluated: 2025-12-08. Review status: criteria provided, single submitter. Criteria: Ambry Variant Classification Scheme 2023. Collection method: clinical testing. Allele origin: germline.

Labcorp Genetics (formerly Invitae), Labcorp
Classification: Uncertain significance for Ehlers-Danlos syndrome, dermatosparaxis type. Last evaluated: 2021-08-28. Review status: criteria provided, single submitter. Criteria: Invitae Variant Classification Sherloc (09022015). Collection method: clinical testing. Allele origin: germline.
Comment: This sequence change replaces arginine with lysine at codon 256 of the ADAMTS2 protein (p.Arg256Lys). The arginine residue is highly conserved and there is a small physicochemical difference between arginine and lysine. This variant is not present in population databases (ExAC no frequency). This variant has not been reported in the literature in individuals affected with ADAMTS2-related conditions. Algorithms developed to predict the effect of missense changes on protein structure and function (SIFT, PolyPhen-2, Align-GVGD) all suggest that this variant is likely to be disruptive. In summary, the available evidence is currently insufficient to determine the role of this variant in disease. Therefore, it has been classified as a Variant of Uncertain Significance.